The following is an entry in ClinVar:

NM_001318895.3(FHL2):c.565A>C (p.Thr189Pro)

Genes: C2orf49 (chromosome 2 open reading frame 49; plus strand), FHL2 (four and a half LIM domains 2; minus strand). Cytogenetic location: 2q12.2.
Variant type: single nucleotide variant.
Coding change: c.565A>C on transcript NM_001318895.3 (MANE Select); coding-DNA position 565, A replaced by C.
Protein change: p.Thr189Pro; replaces threonine 189 with proline.
Molecular consequence: missense variant.
Genome position (GRCh38, 1-based): chr2:105,363,408, T>G on the plus strand (A>C on the coding strand, the complement: FHL2 is on the minus strand). VCF-style: chr2-105363408-T-G. GRCh37 (hg19) VCF-style: chr2-105979865-T-G.
Other names: c.565A>C, p.Thr189Pro (NM_001039492.3, NM_001318894.1, NM_001318896.2 and 4 more transcripts); c.223A>C, p.Thr75Pro (NM_001318897.2, NM_001318898.2); c.241A>C, p.Thr81Pro (NM_001318899.2); short protein forms T75P, T189P, T81P.
Identifiers: ClinVar variation 3639068 (VCV003639068.2).
Genomic context (GRCh38, chr2:105,363,408, plus strand): 5'-AGTAGGCAAAGTCATCGCGAGCTGTGAAGCGCTGCCCAGACAGCTGCTTCCTGCAGGCGG[T>G]GCACACGAAGCACTCCTTGTGCCAGGGCTGCTCCCGGTAAGTGACCCCTCCCGTGGTGAT-3'
Protein context (NP_001305824.1, residues 179-199): QPWHKECFVC[Thr189Pro]ACRKQLSGQR

ClinVar aggregate classification (germline): Uncertain significance (1 of 4 stars; one submission).

Conditions:
Primary dilated cardiomyopathy (DCM). Also called: Dilated Cardiomyopathy. Identifiers: Orphanet 217604, MedGen C0007193, MeSH D002311, MONDO:0005021, HP:0001644. Inheritance: Various modes of inheritance.

Submission:

Labcorp Genetics (formerly Invitae), Labcorp
Classification: Uncertain significance for Primary dilated cardiomyopathy. Last evaluated: 2024-02-06. Review status: criteria provided, single submitter. Criteria: Invitae Variant Classification Sherloc (09022015). Collection method: clinical testing. Allele origin: germline.
Comment: This sequence change replaces threonine, which is neutral and polar, with proline, which is neutral and non-polar, at codon 189 of the FHL2 protein (p.Thr189Pro). This variant is not present in population databases (gnomAD no frequency). This variant has not been reported in the literature in individuals affected with FHL2-related conditions. Advanced modeling of protein sequence and biophysical properties (such as structural, functional, and spatial information, amino acid conservation, physicochemical variation, residue mobility, and thermodynamic stability) performed at Invitae indicates that this missense variant is not expected to disrupt FHL2 protein function with a negative predictive value of 80%. In summary, the available evidence is currently insufficient to determine the role of this variant in disease. Therefore, it has been classified as a Variant of Uncertain Significance.